The following is an entry in ClinVar:

NM_000059.4(BRCA2):c.8648del (p.Pro2883fs)

Gene: BRCA2 (BRCA2 DNA repair associated; plus strand). Cytogenetic location: 13q13.1.
Variant type: Deletion.
Coding change: c.8648del on transcript NM_000059.4 (MANE Select); coding-DNA position 8648, one base deleted (C; older notation c.8648delC).
Protein change: p.Pro2883fs; shifts the reading frame from proline 2883.
Molecular consequence: frameshift variant.
Genome position (GRCh38, 1-based): chr13:32,376,685, C deleted; the last of 2 consecutive C bases (chr13:32,376,684-32,376,685); deleting either gives the same sequence. VCF-style (leftmost placement, unchanged base first): chr13-32376683-AC-A. GRCh37 (hg19) VCF-style: chr13-32950820-AC-A.
Other names: 8875delC; c.8648delC (NM_000059.3); short protein forms P2883fs.
Identifiers: ClinVar variation 254626 (VCV000254626.12), dbSNP rs276174910, ClinGen allele CA025760.

ClinVar aggregate classification (germline): Pathogenic. Review status: reviewed by expert panel (3 of 4 stars). 3 submissions from 3 submitters: Pathogenic (1). 2 of the submissions do not count toward it. Last evaluated 2016-09-08.

Conditions:
Hereditary breast ovarian cancer syndrome. Also called: Hereditary breast and ovarian cancer; Breast and ovarian cancer; Hereditary breast and/or ovarian cancer syndrome; BRCA1- and BRCA2-Associated Hereditary Breast and Ovarian Cancer; Hereditary breast and ovarian cancer syndrome; Hereditary breast and ovarian cancer syndrome (HBOC). Identifiers: Orphanet 145, MedGen C0677776, MeSH D061325, MONDO:0003582. Disease mechanism: loss of function.
Breast-ovarian cancer, familial, susceptibility to, 2 (BROVCA2). Also called: BRCA2 Hereditary Breast and Ovarian Cancer. Identifiers: Orphanet 145, MedGen C2675520, MONDO:0012933, OMIM 612555. Disease mechanism: loss of function.

Submissions (3):

Evidence-based Network for the Interpretation of Germline Mutant Alleles (ENIGMA)
Classification: Pathogenic for Breast-ovarian cancer, familial, susceptibility to, 2. Last evaluated: 2016-09-08. Review status: reviewed by expert panel. Criteria: ENIGMA BRCA1/2 Classification Criteria (2015). Collection method: curation. Allele origin: germline.
Comment: Variant allele predicted to encode a truncated non-functional protein.

Labcorp Genetics (formerly Invitae), Labcorp
Classification: Pathogenic for Hereditary breast ovarian cancer syndrome. Last evaluated: 2021-05-27. Review status: criteria provided, single submitter. Criteria: Invitae Variant Classification Sherloc (09022015). Collection method: clinical testing. Allele origin: germline. Not counted in ClinVar's aggregate classification.
Comment: This variant is not present in population databases (ExAC no frequency). This variant has been observed in individual(s) with breast cancer (PMID: 18097605, 25330149). ClinVar contains an entry for this variant (Variation ID: 254626). This sequence change creates a premature translational stop signal (p.Pro2883Hisfs*8) in the BRCA2 gene. It is expected to result in an absent or disrupted protein product. Loss-of-function variants in BRCA2 are known to be pathogenic (PMID: 20104584). For these reasons, this variant has been classified as Pathogenic.

Breast Cancer Information Core (BIC) (BRCA2)
Classification: Pathogenic for Breast-ovarian cancer, familial 2. Last evaluated: 2004-12-03. Review status: no assertion criteria provided. Collection method: clinical testing. Allele origin: germline. Affected: yes. Observed: 1 variant allele. Not counted in ClinVar's aggregate classification.

Literature cited by the submitters: PubMed 18097605 (cited by Labcorp Genetics (formerly Invitae), Labcorp); PubMed 25330149 (cited by Labcorp Genetics (formerly Invitae), Labcorp); PubMed 20104584 (cited by Labcorp Genetics (formerly Invitae), Labcorp).